The following is an entry in ClinVar:

NM_003906.5(MCM3AP):c.2640T>A (p.Asp880Glu)

Gene: MCM3AP (minichromosome maintenance complex component 3 associated protein; minus strand). Cytogenetic location: 21q22.3.
Variant type: single nucleotide variant.
Coding change: c.2640T>A on transcript NM_003906.5 (MANE Select); coding-DNA position 2640, T replaced by A.
Protein change: p.Asp880Glu; replaces aspartic acid 880 with glutamic acid.
Molecular consequence: missense variant.
Genome position (GRCh38, 1-based): chr21:46,267,131, A>T on the plus strand (T>A on the coding strand, the complement: MCM3AP is on the minus strand). VCF-style: chr21-46267131-A-T. GRCh37 (hg19) VCF-style: chr21-47687045-A-T.
Other names: short protein forms D880E.
Identifiers: ClinVar variation 2084562 (VCV002084562.4), dbSNP rs1276689301, ClinGen allele CA410564389.

ClinVar aggregate classification (germline): Uncertain significance (1 of 4 stars; one submission).

Allele frequency attached by ClinVar (database versions not stated): gnomAD exomes below 0.00001; TOPMed below 0.00001.
gnomAD v4.1: 1 of 1,613,618 alleles (0.000062%); highest among the groups gnomAD compares: Non-Finnish European, 0.000085%; no homozygotes.

Submission:

Labcorp Genetics (formerly Invitae), Labcorp
Classification: Uncertain significance. Last evaluated: 2022-01-15. Review status: criteria provided, single submitter. Criteria: Invitae Variant Classification Sherloc (09022015). Collection method: clinical testing. Allele origin: germline.
Comment: This variant has not been reported in the literature in individuals affected with MCM3AP-related conditions. This variant is not present in population databases (gnomAD no frequency). This sequence change replaces aspartic acid, which is acidic and polar, with glutamic acid, which is acidic and polar, at codon 880 of the MCM3AP protein (p.Asp880Glu). Algorithms developed to predict the effect of missense changes on protein structure and function are either unavailable or do not agree on the potential impact of this missense change (SIFT: "Tolerated"; PolyPhen-2: "Probably Damaging"; Align-GVGD: "Class C0"). In summary, the available evidence is currently insufficient to determine the role of this variant in disease. Therefore, it has been classified as a Variant of Uncertain Significance.